The following is an entry in ClinVar:

NM_006445.4(PRPF8):c.5792C>T (p.Thr1931Met)

Gene: PRPF8 (pre-mRNA processing factor 8; minus strand). Cytogenetic location: 17p13.3.
Variant type: single nucleotide variant.
Coding change: c.5792C>T on transcript NM_006445.4 (MANE Select); coding-DNA position 5792, C replaced by T.
Protein change: p.Thr1931Met; replaces threonine 1931 with methionine.
Molecular consequence: missense variant.
Genome position (GRCh38, 1-based): chr17:1,656,393, G>A on the plus strand (C>T on the coding strand, the complement: PRPF8 is on the minus strand). VCF-style: chr17-1656393-G-A. GRCh37 (hg19) VCF-style: chr17-1559687-G-A.
Other names: short protein forms T1931M.
Identifiers: ClinVar variation 867014 (VCV000867014.44), dbSNP rs1911391944, ClinGen allele CA397569931.
Genomic context (GRCh38, chr17:1,656,393, plus strand): 5'-CTTCTCCTAACCCTAAACCCGCTCCTCCTCCAGCGATCTTCTCTTCCCGAGGTTCATACC[G>A]TGTAAGATGAAATAGTCTTGAGCCAGTCGTCATAGAGGTTGAAGAGAACCATCTGGGGCT-3'
Protein context (NP_006436.3, residues 1921-1941): DDWLKTISSY[Thr1931Met]AFSRLILILR

ClinVar aggregate classification (germline): Pathogenic/Likely pathogenic. Review status: criteria provided, multiple submitters, no conflicts (2 of 4 stars). 6 submissions from 6 submitters: Pathogenic (2); Likely pathogenic (3). 1 of the submissions does not count toward it. Last evaluated 2025-09-02.

Conditions:
PRPF8-related disorder. Also called: PRPF8-related condition.
Inborn genetic diseases. Identifiers: MedGen C0950123, MeSH D030342.
Retinal dystrophy. Also called: Inherited retinal dystrophy. Identifiers: Orphanet 71862, MedGen C0854723, MeSH D058499, MONDO:0019118, HP:0000556.
Retinitis pigmentosa 13 (RP13). Also called: PRPF 8-Related Retinitis Pigmentosa. Identifiers: Orphanet 791, MedGen C1838702, MONDO:0010806, OMIM 600059.

Submissions (6):

Labcorp Genetics (formerly Invitae), Labcorp
Classification: Pathogenic. Last evaluated: 2025-09-02. Review status: criteria provided, single submitter. Criteria: Invitae Variant Classification Sherloc (09022015). Collection method: clinical testing. Allele origin: germline.
Comment: This sequence change replaces threonine, which is neutral and polar, with methionine, which is neutral and non-polar, at codon 1931 of the PRPF8 protein (p.Thr1931Met). This variant is not present in population databases (gnomAD no frequency). This missense change has been observed in individual(s) with inherited retinal dystrophy (PMID: 28559085, 28761320; internal data). In at least one individual the variant was observed to be de novo. It has also been observed to segregate with disease in related individuals. ClinVar contains an entry for this variant (Variation ID: 867014). An algorithm developed to predict the effect of missense changes on protein structure and function (PolyPhen-2) suggests that this variant is likely to be disruptive. For these reasons, this variant has been classified as Pathogenic.

Ambry Genetics
Classification: Likely pathogenic for Inborn genetic diseases. Last evaluated: 2023-01-13. Review status: criteria provided, single submitter. Criteria: Ambry Variant Classification Scheme 2023. Collection method: clinical testing. Allele origin: germline.
Comment: The c.5792C>T (p.T1931M) alteration is located in exon 36 (coding exon 35) of the PRPF8 gene. This alteration results from a C to T substitution at nucleotide position 5792, causing the threonine (T) at amino acid position 1931 to be replaced by a methionine (M). This variant was not reported in population-based cohorts in the Genome Aggregation Database (gnomAD). This alteration has been reported in multiple individuals with retinitis pigmentosa (Stone, 2017; Bennett, 2017; Zhou, 2020; Jones, 2017; Xiao, 2020; Tracewska, 2021; Bai, 2021). Additionally, this variant has been reported to be de novo in one individual with retinitis pigmentosa (Stone, 2017). This alteration is predicted to be deleterious by in silico analysis. Based on the available evidence, this alteration is classified as likely pathogenic.

CeGaT Center for Human Genetics Tuebingen
Classification: Likely pathogenic. Last evaluated: 2022-05-01. Review status: criteria provided, single submitter. Criteria: CeGaT Center For Human Genetics Tuebingen Variant Classification Criteria Version 2. Collection method: clinical testing. Allele origin: germline. Affected: yes. Observed: 1 variant allele.
Comment: PRPF8: PM2, PS4:Moderate, PP3, PP4

Blueprint Genetics
Classification: Pathogenic for PRPF8-related disorders. Last evaluated: 2020-01-08. Review status: criteria provided, single submitter. Criteria: ACMG Guidelines, 2015. Collection method: clinical testing. Allele origin: germline. Affected: yes. Observed: 5 variant alleles.

Institute of Human Genetics, Univ. Regensburg, Univ. Regensburg
Classification: Likely pathogenic for Retinal dystrophy. Last evaluated: 2019-01-01. Review status: criteria provided, single submitter. Criteria: ACMG Guidelines, 2015. Collection method: clinical testing. Allele origin: germline. Affected: yes.

Clinical Genetics Laboratory, University Hospital Schleswig-Holstein
Classification: Pathogenic for Retinitis pigmentosa 13. Last evaluated: 2024-05-14. Review status: no assertion criteria provided. Collection method: clinical testing. Allele origin: germline. Affected: yes. Not counted in ClinVar's aggregate classification.

Literature cited by the submitters: PubMed 28559085 (cited by 3 submitters); PubMed 28761320 (cited by 3 submitters); PubMed 28798898 (cited by Ambry Genetics); PubMed 33157387 (cited by Ambry Genetics); PubMed 33598457 (cited by Ambry Genetics and Institute of Human Genetics, Univ. Regensburg, Univ. Regensburg); PubMed 33781268 (cited by Ambry Genetics and Institute of Human Genetics, Univ. Regensburg, Univ. Regensburg); PubMed 34321860 (cited by Ambry Genetics); PubMed 36819107 (cited by Institute of Human Genetics, Univ. Regensburg, Univ. Regensburg).